The following is an entry in ClinVar:

ClinVar aggregate classification (germline): Uncertain significance (1 of 4 stars; one submission).

Allele frequency attached by ClinVar (database versions not stated): gnomAD exomes below 0.00001; gnomAD 0.00003; TOPMed 0.00003.
gnomAD v4.1: 7 of 1,614,064 alleles (0.00043%); highest among the groups gnomAD compares: African/African-American, 0.0093%; no homozygotes.

Submission:

Women's Health and Genetics/Laboratory Corporation of America, LabCorp
Classification: Uncertain significance. Last evaluated: 2023-10-20. Review status: criteria provided, single submitter. Criteria: LabCorp Variant Classification Summary - May 2015. Collection method: clinical testing. Allele origin: germline.
Comment: Variant summary: ATP11A c.673A>G (p.Lys225Glu) results in a conservative amino acid change in the encoded protein sequence. Four of five in-silico tools predict a benign effect of the variant on protein function. Consensus agreement among computation tools predict no significant impact on normal splicing. However, these predictions have yet to be confirmed by functional studies. The variant was absent in 251190 control chromosomes (gnomAD). The available data on variant occurrences in the general population are insufficient to allow any conclusion about variant significance. To our knowledge, no occurrence of c.673A>G in individuals affected with ATP11A-Related Disorders and no experimental evidence demonstrating its impact on protein function have been reported. No submitters have cited clinical-significance assessments for this variant to ClinVar after 2014. Based on the evidence outlined above, the variant was classified as uncertain significance.

NM_015205.3(ATP11A):c.673A>G (p.Lys225Glu)

Gene: ATP11A (ATPase phospholipid transporting 11A; plus strand). Cytogenetic location: 13q34.
Variant type: single nucleotide variant.
Coding change: c.673A>G on transcript NM_015205.3 (MANE Select); coding-DNA position 673, A replaced by G.
Protein change: p.Lys225Glu; replaces lysine 225 with glutamic acid.
Molecular consequence: missense variant.
Genome position (GRCh38, 1-based): chr13:112,819,406, A>G. VCF-style: chr13-112819406-A-G. GRCh37 (hg19) VCF-style: chr13-113473720-A-G.
Other names: c.673A>G, p.Lys225Glu (NM_001405661.1, NM_001405662.1, NM_001405663.1 and 1 more transcripts); short protein forms K225E.
Identifiers: ClinVar variation 2637848 (VCV002637848.1), dbSNP rs1164696229, ClinGen allele CA388775120.